The following is an entry in ClinVar:

ClinVar aggregate classification (germline): Uncertain significance. Review status: criteria provided, multiple submitters, no conflicts (2 of 4 stars). 2 submissions from 2 submitters: Uncertain significance (2). Last evaluated 2025-06-29.

Conditions:
MHC class I deficiency. Identifiers: Orphanet 34592, MedGen C6024714, MONDO:0011476.

Allele frequency attached by ClinVar (database versions not stated): ExAC 0.00003; TOPMed below 0.00001; gnomAD exomes 0.00003 and 0.00001.

Submissions (2):

Labcorp Genetics (formerly Invitae), Labcorp
Classification: Uncertain significance for MHC class I deficiency 1. Last evaluated: 2025-06-29. Review status: criteria provided, single submitter. Criteria: Invitae Variant Classification Sherloc (09022015). Collection method: clinical testing. Allele origin: germline.
Comment: This sequence change replaces valine, which is neutral and non-polar, with alanine, which is neutral and non-polar, at codon 68 of the TAPBP protein (p.Val68Ala). This variant is present in population databases (rs759240284, gnomAD 0.04%). This variant has not been reported in the literature in individuals affected with TAPBP-related conditions. ClinVar contains an entry for this variant (Variation ID: 1364962). An algorithm developed to predict the effect of missense changes on protein structure and function (PolyPhen-2) suggests that this variant is likely to be disruptive. In summary, the available evidence is currently insufficient to determine the role of this variant in disease. Therefore, it has been classified as a Variant of Uncertain Significance.

Ambry Genetics
Classification: Uncertain significance. Last evaluated: 2023-12-22. Review status: criteria provided, single submitter. Criteria: Ambry Variant Classification Scheme 2023. Collection method: clinical testing. Allele origin: germline.

NM_003190.5(TAPBP):c.203T>C (p.Val68Ala)

Gene: TAPBP (TAP binding protein; minus strand). Cytogenetic location: 6p21.32.
Variant type: single nucleotide variant.
Coding change: c.203T>C on transcript NM_003190.5 (MANE Select); coding-DNA position 203, T replaced by C.
Protein change: p.Val68Ala; replaces valine 68 with alanine.
Molecular consequence: missense variant.
Genome position (GRCh38, 1-based): chr6:33,313,699, A>G on the plus strand (T>C on the coding strand, the complement: TAPBP is on the minus strand). VCF-style: chr6-33313699-A-G. GRCh37 (hg19) VCF-style: chr6-33281476-A-G.
Other names: c.203T>C, p.Val68Ala (NM_172208.3, NM_172209.3); c.203T>C (NM_003190.4); short protein forms V68A.
Identifiers: ClinVar variation 1364962 (VCV001364962.7), dbSNP rs759240284, ClinGen allele CA3755946.